The following is an entry in ClinVar:

ClinVar aggregate classification (germline): Pathogenic (1 of 4 stars; one submission).

Submission:

CeGaT Center for Human Genetics Tuebingen
Classification: Pathogenic. Last evaluated: 2023-11-01. Review status: criteria provided, single submitter. Criteria: CeGaT Center For Human Genetics Tuebingen Variant Classification Criteria Version 2. Collection method: clinical testing. Allele origin: germline. Affected: yes. Observed: 1 variant allele.
Comment: PDZD7: PVS1, PM2, PM3:Supporting

NM_001195263.2(PDZD7):c.1841+2T>A

Gene: PDZD7 (PDZ domain containing 7; minus strand). Cytogenetic location: 10q24.31.
Variant type: single nucleotide variant.
Coding change: c.1841+2T>A on transcript NM_001195263.2 (MANE Select); the canonical splice donor site of the intron after coding-DNA position 1841, T replaced by A.
Molecular consequence: splice donor variant.
Genome position (GRCh38, 1-based): chr10:101,012,165, A>T on the plus strand (T>A on the coding strand, the complement: PDZD7 is on the minus strand). VCF-style: chr10-101012165-A-T. GRCh37 (hg19) VCF-style: chr10-102771922-A-T.
Identifiers: ClinVar variation 2672412 (VCV002672412.23), dbSNP rs2492795223, ClinGen allele CA378226424.